The following is an entry in ClinVar:

NM_001384140.1(PCDH15):c.1978G>C (p.Val660Leu)

Gene: PCDH15 (protocadherin related 15; minus strand). Cytogenetic location: 10q21.1.
Variant type: single nucleotide variant.
Coding change: c.1978G>C on transcript NM_001384140.1 (MANE Select); coding-DNA position 1978, G replaced by C.
Protein change: p.Val660Leu; replaces valine 660 with leucine.
Molecular consequence: missense variant. On other transcripts: intron variant (1).
Genome position (GRCh38, 1-based): chr10:54,090,003, C>G on the plus strand (G>C on the coding strand, the complement: PCDH15 is on the minus strand). VCF-style: chr10-54090003-C-G. GRCh37 (hg19) VCF-style: chr10-55849763-C-G.
Other names: c.2014G>C, p.Val672Leu (NM_001142769.4); c.1978G>C, p.Val660Leu (NM_001142770.3, NM_001142772.2, NM_001354420.2 and 5 more transcripts); c.1993G>C, p.Val665Leu (NM_001142771.2, NM_001142763.2); c.1912G>C, p.Val638Leu (NM_001142773.2, NM_001354404.2, NM_001142768.2); c.1999G>C, p.Val667Leu (NM_001354411.2); c.1785-10579G>C (NM_001142765.2); c.1867G>C, p.Val623Leu (NM_001142767.2); c.1978G>C (NM_033056.3); short protein forms V623L, V638L, V660L, V665L, V667L, V672L.
Identifiers: ClinVar variation 990236 (VCV000990236.8), dbSNP rs373482210, ClinGen allele CA5506192.

ClinVar aggregate classification (germline): Uncertain significance. Review status: criteria provided, multiple submitters, no conflicts (2 of 4 stars). 3 submissions from 3 submitters: Uncertain significance (2). 1 of the submissions does not count toward it. Last evaluated 2026-01-06.

Conditions:
Usher syndrome type 1F (USH1F). Also called: USHER SYNDROME, TYPE IF. Identifiers: Orphanet 231169, Orphanet 886, MedGen C1865885, MONDO:0011186, OMIM 602083.

Allele frequency attached by ClinVar (database versions not stated): gnomAD exomes below 0.00001; ExAC 0.00001; ESP Exome Variant Server 0.00008; gnomAD 0.00008 and 0.00009; TOPMed 0.00008.
gnomAD v4.1: 19 of 1,611,558 alleles (0.0012%); highest among the groups gnomAD compares: African/African-American, 0.025%; no homozygotes.

Submissions (3):

GeneDx
Classification: Uncertain significance. Last evaluated: 2026-01-06. Review status: criteria provided, single submitter. Criteria: GeneDx Variant Classification Process June 2021. Collection method: clinical testing. Allele origin: germline.
Comment: In silico analysis suggests that this missense variant does not alter protein structure/function; Has not been previously published as pathogenic or benign to our knowledge

Labcorp Genetics (formerly Invitae), Labcorp
Classification: Uncertain significance. Last evaluated: 2022-03-10. Review status: criteria provided, single submitter. Criteria: Invitae Variant Classification Sherloc (09022015). Collection method: clinical testing. Allele origin: germline.
Comment: This sequence change replaces valine, which is neutral and non-polar, with leucine, which is neutral and non-polar, at codon 660 of the PCDH15 protein (p.Val660Leu). This variant is present in population databases (rs373482210, gnomAD 0.008%). This variant has not been reported in the literature in individuals affected with PCDH15-related conditions. ClinVar contains an entry for this variant (Variation ID: 990236). Algorithms developed to predict the effect of missense changes on protein structure and function are either unavailable or do not agree on the potential impact of this missense change (SIFT: "Tolerated"; PolyPhen-2: "Possibly Damaging"; Align-GVGD: "Class C0"). In summary, the available evidence is currently insufficient to determine the role of this variant in disease. Therefore, it has been classified as a Variant of Uncertain Significance.

Natera, Inc.
Classification: Uncertain significance for Usher syndrome type 1F. Last evaluated: 2020-09-11. Review status: no assertion criteria provided. Collection method: clinical testing. Allele origin: germline. Not counted in ClinVar's aggregate classification.